The following is an entry in ClinVar:

ClinVar aggregate classification (germline): Uncertain significance (0 of 4 stars; one submission).

Conditions:
PLXNA2-related disorder. Also called: PLXNA2-related condition.

Submission:

PreventionGenetics, part of Exact Sciences
Classification: Uncertain significance for PLXNA2-related condition. Last evaluated: 2024-04-15. Review status: no assertion criteria provided. Collection method: clinical testing. Allele origin: germline.
Comment: The PLXNA2 c.333C>A variant is predicted to result in the amino acid substitution p.Asn111Lys. This variant has been reported to have occurred de novo in a single patient affected with Autism Spectrum Disorder (Zhou et al. 2022. PubMed ID: 35982159). This variant is reported in 0.00088% of alleles in individuals of European (Non-Finnish) descent in gnomAD. At this time, the clinical significance of this variant is uncertain due to the absence of conclusive functional and genetic evidence.

NM_025179.4(PLXNA2):c.333C>A (p.Asn111Lys)

Gene: PLXNA2 (plexin A2; minus strand). Cytogenetic location: 1q32.2.
Variant type: single nucleotide variant.
Coding change: c.333C>A on transcript NM_025179.4 (MANE Select); coding-DNA position 333, C replaced by A.
Protein change: p.Asn111Lys; replaces asparagine 111 with lysine.
Molecular consequence: missense variant.
Genome position (GRCh38, 1-based): chr1:208,217,590, G>T on the plus strand (C>A on the coding strand, the complement: PLXNA2 is on the minus strand). VCF-style: chr1-208217590-G-T. GRCh37 (hg19) VCF-style: chr1-208390935-G-T.
Other names: short protein forms N111K.
Identifiers: ClinVar variation 3345679 (VCV003345679.1).